The following is an entry in ClinVar:

ClinVar aggregate classification (germline): Uncertain significance (1 of 4 stars; one submission).

Conditions:
Cornelia de Lange syndrome 1 (CDLS1). Also called: Brachmann de Lange syndrome; TYPUS DEGENERATIVUS AMSTELODAMENSIS; NIPBL-Related Cornelia de Lange Syndrome. Identifiers: Orphanet 199, MedGen C4551851, MONDO:0007387, OMIM 122470.

Submission:

3billion
Classification: Uncertain significance for Cornelia de Lange syndrome 1. Last evaluated: 2023-07-27. Review status: criteria provided, single submitter. Criteria: ACMG Guidelines, 2015. Collection method: clinical testing. Allele origin: germline. Affected: yes.
Comment: The variant is not observed in the gnomAD v2.1.1 dataset. Predicted Consequence/Location: Intron variant In silico tools predict the variant to alter splicing and produce an abnormal transcript (SpliceAI: 0.96). Therefore, this variant is classified as VUS according to the recommendation of ACMG/AMP guideline.

NM_133433.4(NIPBL):c.5863-23T>G

Gene: NIPBL (NIPBL cohesin loading factor; plus strand). Cytogenetic location: 5p13.2.
Variant type: single nucleotide variant.
Coding change: c.5863-23T>G on transcript NM_133433.4 (MANE Select); 23 bases into the intron before coding-DNA position 5863, T replaced by G.
Molecular consequence: intron variant.
Genome position (GRCh38, 1-based): chr5:37,036,356, T>G. VCF-style: chr5-37036356-T-G. GRCh37 (hg19) VCF-style: chr5-37036458-T-G.
Other names: c.5863-23T>G (NM_015384.5).
Identifiers: ClinVar variation 3775197 (VCV003775197.1).